The following is an entry in ClinVar:

NM_006567.5(FARS2):c.925G>A (p.Gly309Ser)

Gene: FARS2 (phenylalanyl-tRNA synthetase 2, mitochondrial; plus strand). Cytogenetic location: 6p25.1.
Variant type: single nucleotide variant.
Coding change: c.925G>A on transcript NM_006567.5 (MANE Select); coding-DNA position 925, G replaced by A.
Protein change: p.Gly309Ser; replaces glycine 309 with serine.
Molecular consequence: missense variant.
Genome position (GRCh38, 1-based): chr6:5,545,200, G>A. VCF-style: chr6-5545200-G-A. GRCh37 (hg19) VCF-style: chr6-5545433-G-A.
Other names: c.925G>A, p.Gly309Ser (NM_001318872.2, NM_001374875.1, NM_001374876.1 and 4 more transcripts); c.793G>A, p.Gly265Ser (NM_001375258.1); c.229G>A, p.Gly77Ser (NM_001375259.1, NM_001375260.1); c.925G>A (NM_006567.3); short protein forms G309S, G265S, G77S.
Identifiers: ClinVar variation 587672 (VCV000587672.51), dbSNP rs746746116, ClinGen allele CA362736415.

ClinVar aggregate classification (germline): Pathogenic/Likely pathogenic. Review status: criteria provided, multiple submitters, no conflicts (2 of 4 stars). 5 submissions from 5 submitters: Pathogenic (2); Likely pathogenic (3). Last evaluated 2026-04-24.

Conditions:
Combined oxidative phosphorylation defect type 14. Also called: Combined oxidative phosphorylation deficiency 14. Identifiers: Orphanet 319519, MedGen C4755312, MONDO:0013986, OMIM 614946.

gnomAD v4.1: 2 of 1,613,742 alleles (0.00012%); highest among the groups gnomAD compares: African/African-American, 0.0013%; no homozygotes.

Submissions (5):

GeneDx
Classification: Likely pathogenic. Last evaluated: 2026-04-24. Review status: criteria provided, single submitter. Criteria: GeneDx Variant Classification Process June 2021. Collection method: clinical testing. Allele origin: germline.
Comment: Published in vivo functional analysis suggests the p.(G309S) variant negatively effects FARS2 function (PMID: 34878141); Not observed at significant frequency in large population cohorts (gnomAD); In silico analysis supports that this missense variant has a deleterious effect on protein structure/function; This variant is associated with the following publications: (PMID: 28031834, 29126765, 36453966, 40254257, 28043061, 39843441, 38166857, 35794642, 38831166, 30177229, 36155627, 33349918, 34878141, 28419689, 37523899)

3billion
Classification: Likely pathogenic for Combined oxidative phosphorylation defect type 14. Last evaluated: 2023-02-23. Review status: criteria provided, single submitter. Criteria: ACMG Guidelines, 2015. Collection method: clinical testing. Allele origin: unknown. Affected: yes.
Comment: The variant is not observed in the gnomAD v2.1.1 dataset. Missense changes are a common disease-causing mechanism. In silico tool predictions suggest damaging effect of the variant on gene or gene product (REVEL: 0.89; 3Cnet: 0.65). Same nucleotide change resulting in same amino acid change has been previously reported as pathogenic/likely pathogenic with strong evidence (ClinVar ID: VCV000587672). Therefore, this variant is classified as Likely pathogenic according to the recommendation of ACMG/AMP guideline.

Labcorp Genetics (formerly Invitae), Labcorp
Classification: Pathogenic for Combined oxidative phosphorylation defect type 14. Last evaluated: 2022-03-19. Review status: criteria provided, single submitter. Criteria: Invitae Variant Classification Sherloc (09022015). Collection method: clinical testing. Allele origin: germline.
Comment: This variant is not present in population databases (gnomAD no frequency). This sequence change replaces glycine, which is neutral and non-polar, with serine, which is neutral and polar, at codon 309 of the FARS2 protein (p.Gly309Ser). This missense change has been observed in individuals with FARS2-related conditions (PMID: 28419689, 30177229). It has also been observed to segregate with disease in related individuals. ClinVar contains an entry for this variant (Variation ID: 587672). For these reasons, this variant has been classified as Pathogenic. Experimental studies have shown that this missense change affects FARS2 function (PMID: 28419689). Advanced modeling of protein sequence and biophysical properties (such as structural, functional, and spatial information, amino acid conservation, physicochemical variation, residue mobility, and thermodynamic stability) performed at Invitae indicates that this missense variant is expected to disrupt FARS2 protein function. This variant is also known as Gly273Ser.

CeGaT Center for Human Genetics Tuebingen
Classification: Pathogenic. Last evaluated: 2019-09-01. Review status: criteria provided, single submitter. Criteria: CeGaT Center For Human Genetics Tuebingen Variant Classification Criteria Version 2. Collection method: clinical testing. Allele origin: germline. Affected: yes. Observed: 2 variant alleles.

Wong Mito Lab, Molecular and Human Genetics, Baylor College of Medicine
Classification: Likely pathogenic for Combined oxidative phosphorylation deficiency 14. Last evaluated: 2018-06-13. Review status: criteria provided, single submitter. Criteria: ACMG Guidelines, 2015. Collection method: clinical testing. Allele origin: germline. Affected: yes.

Literature cited by the submitters: PubMed 28419689 (cited by Labcorp Genetics (formerly Invitae), Labcorp); PubMed 30177229 (cited by Labcorp Genetics (formerly Invitae), Labcorp); PubMed 28043061 (cited by Wong Mito Lab, Molecular and Human Genetics, Baylor College of Medicine).